The following is an entry in ClinVar:

NM_000044.6(AR):c.-547C>T

Gene: AR (androgen receptor; plus strand). Cytogenetic location: Xq12.
Variant type: single nucleotide variant.
Coding change: c.-547C>T on transcript NM_000044.6 (MANE Select); 547 bases upstream of the start codon, C replaced by T.
Molecular consequence: 5 prime UTR variant.
Genome position (GRCh38, 1-based): chrX:67,544,600, C>T. VCF-style: chrX-67544600-C-T. GRCh37 (hg19) VCF-style: chrX-66764442-C-T.
Identifiers: ClinVar variation 3353504 (VCV003353504.1).

ClinVar aggregate classification (germline): Likely pathogenic (0 of 4 stars; one submission).

Conditions:
AR-related disorder. Also called: AR-related condition.

Submission:

PreventionGenetics, part of Exact Sciences
Classification: Likely pathogenic for AR-related condition. Last evaluated: 2024-07-18. Review status: no assertion criteria provided. Collection method: clinical testing. Allele origin: germline.
Comment: The AR c.-547C>T variant is located in the 5' untranslated region. This variant was reported in individuals with androgen insensitivity syndrome (Hornig et al 2016. PubMed ID: 27110943; Noveski et al 2023. PubMed ID: 37576790). In vitro models demonstrate that this variant reduces transcription (Hornig et al 2016. PubMed ID: 27110943). This variant has not been reported in a large population database, indicating this variant is rare. This variant is interpreted as likely pathogenic.